The following is an entry in ClinVar:

ClinVar aggregate classification (germline): Uncertain significance (1 of 4 stars; one submission).

gnomAD v4.1: 3 of 1,614,110 alleles (0.00019%); highest among the groups gnomAD compares: South Asian, 0.0033%; no homozygotes.

Submission:

Women's Health and Genetics/Laboratory Corporation of America, LabCorp
Classification: Uncertain significance. Last evaluated: 2026-04-22. Review status: criteria provided, single submitter. Criteria: LabCorp Variant Classification Summary - May 2015. Collection method: clinical testing. Allele origin: germline.
Comment: Variant summary: SETD2 c.5617C>T (p.Pro1873Ser) results in a non-conservative amino acid change in the encoded protein sequence. Algorithms developed to predict the effect of missense changes on protein structure and function are either unavailable or do not agree on the potential impact of this missense change. The variant was absent in 251208 control chromosomes. The available data on variant occurrences in the general population are insufficient to allow any conclusion about variant significance. To our knowledge, no occurrence of c.5617C>T in individuals affected with SETD2-related conditions and no experimental evidence demonstrating its impact on protein function have been reported. No submitters have cited clinical-significance assessments for this variant to ClinVar. Based on the evidence outlined above, the variant was classified as uncertain significance.

NM_014159.7(SETD2):c.5617C>T (p.Pro1873Ser)

Gene: SETD2 (SET domain containing 2, histone lysine methyltransferase; minus strand). Cytogenetic location: 3p21.31.
Variant type: single nucleotide variant.
Coding change: c.5617C>T on transcript NM_014159.7 (MANE Select); coding-DNA position 5617, C replaced by T.
Protein change: p.Pro1873Ser; replaces proline 1873 with serine.
Molecular consequence: missense variant. On other transcripts: non-coding transcript variant (1).
Genome position (GRCh38, 1-based): chr3:47,084,163, G>A on the plus strand (C>T on the coding strand, the complement: SETD2 is on the minus strand). VCF-style: chr3-47084163-G-A. GRCh37 (hg19) VCF-style: chr3-47125653-G-A.
Other names: c.5485C>T, p.Pro1829Ser (NM_001349370.3); short protein forms P1829S, P1873S.
Identifiers: ClinVar variation 4849171 (VCV004849171.1).